The following is an entry in ClinVar:

NM_001277062.2(MFF):c.27C>T (p.Tyr9=)

Gene: MFF (mitochondrial fission factor; plus strand). Cytogenetic location: 2q36.3.
Variant type: single nucleotide variant.
Coding change: c.27C>T on transcript NM_001277062.2 (MANE Select); coding-DNA position 27, C replaced by T.
Protein change: p.Tyr9=; no amino-acid change (tyrosine 9 retained).
Molecular consequence: synonymous variant. On other transcripts: intron variant (1).
Genome position (GRCh38, 1-based): chr2:227,330,692, C>T. VCF-style: chr2-227330692-C-T. GRCh37 (hg19) VCF-style: chr2-228195408-C-T.
Other names: c.105C>T, p.Tyr35= (NM_001277061.2, NM_020194.5); c.27C>T, p.Tyr9= (NM_001277063.2, NM_001277064.2, NM_001277065.2 and 2 more transcripts); c.-35-89C>T (NM_001277067.1).
Identifiers: ClinVar variation 507089 (VCV000507089.5), dbSNP rs369491046, ClinGen allele CA2147780.

ClinVar aggregate classification (germline): Likely benign. Review status: criteria provided, multiple submitters, no conflicts (2 of 4 stars). 3 submissions from 3 submitters: Likely benign (3). Last evaluated 2025-03-28.

Allele frequency attached by ClinVar (database versions not stated): ExAC 0.00003; gnomAD exomes 0.00003 and 0.00007; gnomAD 0.00007 and 0.00009; ESP Exome Variant Server 0.00008; TOPMed 0.00008.
gnomAD v4.1: 148 of 1,613,924 alleles (0.0092%); highest among the groups gnomAD compares: East Asian, 0.022%; no homozygotes.

Submissions (3):

Labcorp Genetics (formerly Invitae), Labcorp
Classification: Likely benign. Last evaluated: 2025-03-28. Review status: criteria provided, single submitter. Criteria: Invitae Variant Classification Sherloc (09022015). Collection method: clinical testing. Allele origin: germline.

Blueprint Genetics
Classification: Likely benign. Last evaluated: 2024-10-21. Review status: criteria provided, single submitter. Criteria: ACMG Guidelines, 2015. Collection method: clinical testing. Allele origin: germline.

GeneDx
Classification: Likely benign. Last evaluated: 2017-02-01. Review status: criteria provided, single submitter. Criteria: GeneDx Variant Classification (06012015). Collection method: clinical testing. Allele origin: germline. Affected: yes.
Comment: This variant is considered likely benign or benign based on one or more of the following criteria: it is a conservative change, it occurs at a poorly conserved position in the protein, it is predicted to be benign by multiple in silico algorithms, and/or has population frequency not consistent with disease.